The following is an entry in ClinVar:

ClinVar aggregate classification (germline): Uncertain significance. Review status: criteria provided, multiple submitters, no conflicts (2 of 4 stars). 2 submissions from 2 submitters: Uncertain significance (2). Last evaluated 2026-02-28.

Conditions:
Inborn genetic diseases. Identifiers: MedGen C0950123, MeSH D030342.

Allele frequency attached by ClinVar (database versions not stated): TOPMed 0.00001.

Submissions (2):

Ambry Genetics
Classification: Uncertain significance for Inborn genetic diseases. Last evaluated: 2026-02-28. Review status: criteria provided, single submitter. Criteria: Ambry Variant Classification Scheme 2023. Collection method: clinical testing. Allele origin: germline.

Labcorp Genetics (formerly Invitae), Labcorp
Classification: Uncertain significance. Last evaluated: 2022-12-15. Review status: criteria provided, single submitter. Criteria: Invitae Variant Classification Sherloc (09022015). Collection method: clinical testing. Allele origin: germline.
Comment: This sequence change replaces histidine, which is basic and polar, with arginine, which is basic and polar, at codon 472 of the PLS3 protein (p.His472Arg). This variant is not present in population databases (gnomAD no frequency). This variant has not been reported in the literature in individuals affected with PLS3-related conditions. Advanced modeling of protein sequence and biophysical properties (such as structural, functional, and spatial information, amino acid conservation, physicochemical variation, residue mobility, and thermodynamic stability) performed at Invitae indicates that this missense variant is not expected to disrupt PLS3 protein function. In summary, the available evidence is currently insufficient to determine the role of this variant in disease. Therefore, it has been classified as a Variant of Uncertain Significance.

NM_005032.7(PLS3):c.1415A>G (p.His472Arg)

Gene: PLS3 (plastin 3; plus strand). Cytogenetic location: Xq23.
Variant type: single nucleotide variant.
Coding change: c.1415A>G on transcript NM_005032.7 (MANE Select); coding-DNA position 1415, A replaced by G.
Protein change: p.His472Arg; replaces histidine 472 with arginine.
Molecular consequence: missense variant.
Genome position (GRCh38, 1-based): chrX:115,646,439, A>G. VCF-style: chrX-115646439-A-G. GRCh37 (hg19) VCF-style: chrX-114880759-A-G.
Other names: c.1415A>G, p.His472Arg (NM_001136025.5); c.1334A>G, p.His445Arg (NM_001172335.3); c.1376A>G, p.His459Arg (NM_001282337.2); c.1280A>G, p.His427Arg (NM_001282338.2); c.1415A>G (NM_005032.5); short protein forms H427R, H445R, H459R, H472R.
Identifiers: ClinVar variation 3012029 (VCV003012029.4), dbSNP rs2074952660, ClinGen allele CA414335942.